The following is an entry in ClinVar:

NM_003235.5(TG):c.151C>T (p.Gln51Ter)

Gene: TG (thyroglobulin; plus strand). Cytogenetic location: 8q24.22.
Variant type: single nucleotide variant.
Coding change: c.151C>T on transcript NM_003235.5 (MANE Select); coding-DNA position 151, C replaced by T.
Protein change: p.Gln51Ter; replaces glutamine 51 with a stop codon.
Molecular consequence: nonsense.
Genome position (GRCh38, 1-based): chr8:132,868,198, C>T. VCF-style: chr8-132868198-C-T. GRCh37 (hg19) VCF-style: chr8-133880443-C-T.
Other names: short protein forms Q51*.
Identifiers: ClinVar variation 2791451 (VCV002791451.3), dbSNP rs1839148591, ClinGen allele CA372244894.

ClinVar aggregate classification (germline): Pathogenic (1 of 4 stars; one submission).

Allele frequency attached by ClinVar (database versions not stated): gnomAD exomes below 0.00001; TOPMed below 0.00001; gnomAD 0.00001.
gnomAD v4.1: 2 of 1,614,034 alleles (0.00012%); highest among the groups gnomAD compares: South Asian, 0.0011%; no homozygotes.

Submission:

Labcorp Genetics (formerly Invitae), Labcorp
Classification: Pathogenic. Last evaluated: 2023-01-16. Review status: criteria provided, single submitter. Criteria: Invitae Variant Classification Sherloc (09022015). Collection method: clinical testing. Allele origin: germline.
Comment: For these reasons, this variant has been classified as Pathogenic. This variant has not been reported in the literature in individuals affected with TG-related conditions. This variant is not present in population databases (gnomAD no frequency). This sequence change creates a premature translational stop signal (p.Gln51*) in the TG gene. It is expected to result in an absent or disrupted protein product. Loss-of-function variants in TG are known to be pathogenic (PMID: 19837936, 23164529).

Literature cited by the submitters: PubMed 19837936; PubMed 23164529.